The following is an entry in ClinVar:

ClinVar aggregate classification (germline): Benign/Likely benign. Review status: criteria provided, multiple submitters, no conflicts (2 of 4 stars). 6 submissions from 6 submitters: Benign (3); Likely benign (3). Last evaluated 2026-01-12.

Conditions:
Familial sleep-related hypermotor epilepsy. Also called: Autosomal Dominant Sleep-Related Hypermotor (Hyperkinetic) Epilepsy. Identifiers: Orphanet 98784, MedGen C3696898, MONDO:0000030.
Inborn genetic diseases. Identifiers: MedGen C0950123, MeSH D030342.

Allele frequency attached by ClinVar (database versions not stated): 1000 Genomes Project 30x 0.00016; 1000 Genomes Project 0.00020; gnomAD 0.00054; TOPMed 0.00057; ESP Exome Variant Server 0.00062; gnomAD exomes 0.00068 and 0.00085; ExAC 0.00081.
gnomAD v4.1: 1,312 of 1,613,812 alleles (0.081%); highest among the groups gnomAD compares: Non-Finnish European, 0.099%; 2 homozygotes.

Submissions (6):

Labcorp Genetics (formerly Invitae), Labcorp
Classification: Likely benign. Last evaluated: 2026-01-12. Review status: criteria provided, single submitter. Criteria: Invitae Variant Classification Sherloc (09022015). Collection method: clinical testing. Allele origin: germline.

CeGaT Center for Human Genetics Tuebingen
Classification: Likely benign. Last evaluated: 2025-04-01. Review status: criteria provided, single submitter. Criteria: CeGaT Center For Human Genetics Tuebingen Variant Classification Criteria Version 2. Collection method: clinical testing. Allele origin: germline. Affected: yes. Observed: 4 variant alleles.
Comment: CHRNB2: PP2, BP4, BS1

Blueprint Genetics
Classification: Likely benign. Last evaluated: 2024-11-21. Review status: criteria provided, single submitter. Criteria: ACMG Guidelines, 2015. Collection method: clinical testing. Allele origin: germline.

Athena Diagnostics
Classification: Benign. Last evaluated: 2020-01-30. Review status: criteria provided, single submitter. Criteria: Athena Diagnostics Criteria. Collection method: clinical testing. Allele origin: unknown.

GeneDx
Classification: Benign. Last evaluated: 2019-11-06. Review status: criteria provided, single submitter. Criteria: GeneDx Variant Classification Process June 2021. Collection method: clinical testing. Allele origin: germline. Affected: yes.

Ambry Genetics
Classification: Benign for Inborn genetic diseases. Last evaluated: 2019-05-08. Review status: criteria provided, single submitter. Criteria: Ambry Variant Classification Scheme 2023. Collection method: clinical testing. Allele origin: germline.

NM_000748.3(CHRNB2):c.77C>T (p.Thr26Met)

Gene: CHRNB2 (cholinergic receptor nicotinic beta 2 subunit; plus strand). Cytogenetic location: 1q21.3.
Variant type: single nucleotide variant.
Coding change: c.77C>T on transcript NM_000748.3 (MANE Select); coding-DNA position 77, C replaced by T.
Protein change: p.Thr26Met; replaces threonine 26 with methionine.
Molecular consequence: missense variant.
Genome position (GRCh38, 1-based): chr1:154,569,474, C>T. VCF-style: chr1-154569474-C-T. GRCh37 (hg19) VCF-style: chr1-154541950-C-T.
Other names: p.T26M:ACG>ATG; short protein forms T26M.
Identifiers: ClinVar variation 205061 (VCV000205061.42), dbSNP rs71651692, ClinGen allele CA313639.
Genomic context (GRCh38, chr1:154,569,474, plus strand): 5'-TGGGCTCTCCTTGCCTGCTTACTTTCGTCCTGCCTTTCCCCTGCCCAGGGGTGTGGGGTA[C>T]GGATACAGAGGAGCGGCTGGTGGAGCATCTCCTGGATCCTTCCCGCTACAACAAGCTTAT-3'
Protein context (NP_000739.1, residues 16-36): LLRLCSGVWG[Thr26Met]DTEERLVEHL